The following is an entry in ClinVar:

ClinVar aggregate classification (germline): Uncertain significance (1 of 4 stars; one submission).

Submission:

Women's Health and Genetics/Laboratory Corporation of America, LabCorp
Classification: Uncertain significance. Last evaluated: 2025-07-08. Review status: criteria provided, single submitter. Criteria: LabCorp Variant Classification Summary - May 2015. Collection method: clinical testing. Allele origin: germline.
Comment: Variant summary: GNAQ c.715C>A (p.Leu239Ile) results in a conservative amino acid change in the encoded protein sequence. Algorithms developed to predict the effect of missense changes on protein structure and function are either unavailable or do not agree on the potential impact of this missense change. The variant was absent in 248348 control chromosomes. The available data on variant occurrences in the general population are insufficient to allow any conclusion about variant significance. To our knowledge, no occurrence of c.715C>A in individuals affected with GNAQ-Related Disorders and no experimental evidence demonstrating its impact on protein function have been reported. No submitters have cited clinical-significance assessments for this variant to ClinVar. Based on the evidence outlined above, the variant was classified as uncertain significance.

NM_002072.5(GNAQ):c.715C>A (p.Leu239Ile)

Gene: GNAQ (G protein subunit alpha q; minus strand). Cytogenetic location: 9q21.2.
Variant type: single nucleotide variant.
Coding change: c.715C>A on transcript NM_002072.5 (MANE Select); coding-DNA position 715, C replaced by A.
Protein change: p.Leu239Ile; replaces leucine 239 with isoleucine.
Molecular consequence: missense variant.
Genome position (GRCh38, 1-based): chr9:77,794,483, G>T on the plus strand (C>A on the coding strand, the complement: GNAQ is on the minus strand). VCF-style: chr9-77794483-G-T. GRCh37 (hg19) VCF-style: chr9-80409399-G-T.
Other names: short protein forms L239I.
Identifiers: ClinVar variation 4526094 (VCV004526094.1).